The following is an entry in ClinVar:

NM_001134407.3(GRIN2A):c.956G>A (p.Ser319Asn)

Gene: GRIN2A (glutamate ionotropic receptor NMDA type subunit 2A; minus strand). Cytogenetic location: 16p13.2.
Variant type: single nucleotide variant.
Coding change: c.956G>A on transcript NM_001134407.3 (MANE Select); coding-DNA position 956, G replaced by A.
Protein change: p.Ser319Asn; replaces serine 319 with asparagine.
Molecular consequence: missense variant.
Genome position (GRCh38, 1-based): chr16:9,938,010, C>T on the plus strand (G>A on the coding strand, the complement: GRIN2A is on the minus strand). VCF-style: chr16-9938010-C-T. GRCh37 (hg19) VCF-style: chr16-10031867-C-T.
Other names: c.956G>A, p.Ser319Asn (NM_000833.5, NM_001134408.2); short protein forms S319N.
Identifiers: ClinVar variation 1219353 (VCV001219353.3), dbSNP rs776559667, ClinGen allele CA7896868.

ClinVar aggregate classification (germline): Uncertain significance (1 of 4 stars; one submission).

Allele frequency attached by ClinVar (database versions not stated): gnomAD exomes below 0.00001 and 0.00001; ExAC 0.00001.
gnomAD v4.1: 3 of 1,614,092 alleles (0.00019%); highest among the groups gnomAD compares: Non-Finnish European, 0.00025%; no homozygotes.

Submission:

GeneDx
Classification: Uncertain significance. Last evaluated: 2019-03-22. Review status: criteria provided, single submitter. Criteria: GeneDx Variant Classification Process June 2021. Collection method: clinical testing. Allele origin: germline. Affected: yes.
Comment: Not observed at a significant frequency in large population cohorts (Lek et al., 2016); In silico analysis, which includes protein predictors and evolutionary conservation, supports that this variant does not alter protein structure/function; Has not been previously published as pathogenic or benign to our knowledge